The following is an entry in ClinVar:

NM_018489.3(ASH1L):c.1661A>G (p.Asn554Ser)

Gene: ASH1L (ASH1 like histone lysine methyltransferase; minus strand). Cytogenetic location: 1q22.
Variant type: single nucleotide variant.
Coding change: c.1661A>G on transcript NM_018489.3 (MANE Select); coding-DNA position 1661, A replaced by G.
Protein change: p.Asn554Ser; replaces asparagine 554 with serine.
Molecular consequence: missense variant.
Genome position (GRCh38, 1-based): chr1:155,481,209, T>C on the plus strand (A>G on the coding strand, the complement: ASH1L is on the minus strand). VCF-style: chr1-155481209-T-C. GRCh37 (hg19) VCF-style: chr1-155451000-T-C.
Other names: c.1661A>G, p.Asn554Ser (NM_001366177.2); short protein forms N554S.
Identifiers: ClinVar variation 4535071 (VCV004535071.6).

ClinVar aggregate classification (germline): Likely benign (1 of 4 stars; one submission).

gnomAD v4.1: 5 of 1,613,882 alleles (0.00031%); highest among the groups gnomAD compares: Middle Eastern, 0.016%; no homozygotes.

Submission:

CeGaT Center for Human Genetics Tuebingen
Classification: Likely benign. Last evaluated: 2025-10-01. Review status: criteria provided, single submitter. Criteria: CeGaT Center For Human Genetics Tuebingen Variant Classification Criteria Version 2. Collection method: clinical testing. Allele origin: germline. Affected: yes. Observed: 1 variant allele.
Comment: ASH1L: BP4